The following is an entry in ClinVar:

NM_001875.5(CPS1):c.317C>T (p.Ala106Val)

Gene: CPS1 (carbamoyl-phosphate synthase 1; plus strand). Cytogenetic location: 2q34.
Variant type: single nucleotide variant.
Coding change: c.317C>T on transcript NM_001875.5 (MANE Select); coding-DNA position 317, C replaced by T.
Protein change: p.Ala106Val; replaces alanine 106 with valine.
Molecular consequence: missense variant. On other transcripts: non-coding transcript variant (1).
Genome position (GRCh38, 1-based): chr2:210,576,426, C>T. VCF-style: chr2-210576426-C-T. GRCh37 (hg19) VCF-style: chr2-211441150-C-T.
Other names: c.317C>T, p.Ala106Val (NM_001122633.3, NM_001369257.1); c.350C>T, p.Ala117Val (NM_001369256.1); short protein forms A106V, A117V.
Identifiers: ClinVar variation 1019561 (VCV001019561.6), dbSNP rs765026487, ClinGen allele CA2085989.

ClinVar aggregate classification (germline): Uncertain significance (1 of 4 stars; one submission).

Conditions:
Congenital hyperammonemia, type I. Also called: Carbamoyl-phosphate synthase I deficiency; Carbamoyl phosphate synthetase 1 deficiency; Hyperammonemia due to carbamoyl phosphate synthetase 1 deficiency; CPS 1 deficiency; Carbamyl phosphate synthetase (CPS) deficiency; CPS I DEFICIENCY. Identifiers: Orphanet 147, MedGen C4082171, MONDO:0009376, OMIM 237300.

Allele frequency attached by ClinVar (database versions not stated): gnomAD exomes below 0.00001 and 0.00001; ExAC 0.00001.
gnomAD v4.1: 10 of 1,613,728 alleles (0.00062%); highest among the groups gnomAD compares: African/African-American, 0.0013%; no homozygotes.

Submission:

Labcorp Genetics (formerly Invitae), Labcorp
Classification: Uncertain significance for Congenital hyperammonemia, type I. Last evaluated: 2021-08-31. Review status: criteria provided, single submitter. Criteria: Invitae Variant Classification Sherloc (09022015). Collection method: clinical testing. Allele origin: germline.
Comment: This sequence change replaces alanine with valine at codon 106 of the CPS1 protein (p.Ala106Val). The alanine residue is moderately conserved and there is a small physicochemical difference between alanine and valine. This variant is present in population databases (rs765026487, ExAC 0.001%). This variant has not been reported in the literature in individuals affected with CPS1-related conditions. Algorithms developed to predict the effect of missense changes on protein structure and function output the following: SIFT: "Tolerated"; PolyPhen-2: "Benign"; Align-GVGD: "Class C0". The valine amino acid residue is found in multiple mammalian species, which suggests that this missense change does not adversely affect protein function. In summary, the available evidence is currently insufficient to determine the role of this variant in disease. Therefore, it has been classified as a Variant of Uncertain Significance.